The following is an entry in ClinVar:

ClinVar aggregate classification (germline): Likely pathogenic (0 of 4 stars; one submission).

Conditions:
Seizures, benign familial neonatal, 1. Also called: KCNQ2-Related Self-Limited Familial Neonatal Epilepsy (SLFNE); Benign Neonatal Epilepsy 1; KCNQ2-Related Benign Familial Neonatal Epilepsy; Seizures, benign neonatal, 1. Identifiers: Orphanet 1949, MedGen C3149074, MONDO:0007365, OMIM 121200.

Allele frequency attached by ClinVar (database versions not stated): gnomAD exomes below 0.00001.
gnomAD v4.1: 2 of 1,532,656 alleles (0.00013%); highest among the groups gnomAD compares: Middle Eastern, 0.018%; no homozygotes.

Submission:

Department of Medical and Surgical Sciences, Institute of Neurology, University Magna Graecia of Catanzaro
Classification: Likely pathogenic for Seizures, benign familial neonatal, 1. Review status: no assertion criteria provided. Collection method: research. Allele origin: maternal, unknown. Inheritance: Autosomal dominant inheritance. Affected: yes. Observed: 3 heterozygotes. Clinical features observed: Focal aware sensory seizure with auditory features (HP:0032864), Typical absence seizure (HP:0011147), Generalized myoclonic-tonic-clonic seizure (HP:0032795), Focal-onset seizure (HP:0007359).
Comment: The variant was not found in a control cohort and is absent from the general population.

NM_172107.4(KCNQ2):c.2251T>G (p.Ser751Ala)

Gene: KCNQ2 (potassium voltage-gated channel subfamily Q member 2; minus strand). Cytogenetic location: 20q13.33.
Variant type: single nucleotide variant.
Coding change: c.2251T>G on transcript NM_172107.4 (MANE Select); coding-DNA position 2251, T replaced by G.
Protein change: p.Ser751Ala; replaces serine 751 with alanine.
Molecular consequence: missense variant.
Genome position (GRCh38, 1-based): chr20:63,407,012, A>C on the plus strand (T>G on the coding strand, the complement: KCNQ2 is on the minus strand). VCF-style: chr20-63407012-A-C. GRCh37 (hg19) VCF-style: chr20-62038365-A-C.
Other names: c.2305T>G, p.Ser769Ala (NM_001382235.1); c.2167T>G, p.Ser723Ala (NM_004518.6); c.2197T>G, p.Ser733Ala (NM_172106.3); c.2158T>G, p.Ser720Ala (NM_172108.5); short protein forms S720A, S723A, S733A, S751A, S769A.
Identifiers: ClinVar variation 3248555 (VCV003248555.2), dbSNP rs2516098080.